The following is an entry in ClinVar:

NM_003816.3(ADAM9):c.735C>A (p.Tyr245Ter)

Gene: ADAM9 (ADAM metallopeptidase domain 9; plus strand). Cytogenetic location: 8p11.22.
Variant type: single nucleotide variant.
Coding change: c.735C>A on transcript NM_003816.3 (MANE Select); coding-DNA position 735, C replaced by A.
Protein change: p.Tyr245Ter; replaces tyrosine 245 with a stop codon.
Molecular consequence: nonsense. On other transcripts: non-coding transcript variant (3).
Genome position (GRCh38, 1-based): chr8:39,021,705, C>A. VCF-style: chr8-39021705-C-A. GRCh37 (hg19) VCF-style: chr8-38879224-C-A.
Other names: short protein forms Y245*.
Identifiers: ClinVar variation 3727419 (VCV003727419.2).

ClinVar aggregate classification (germline): Pathogenic (1 of 4 stars; one submission).

Submission:

Labcorp Genetics (formerly Invitae), Labcorp
Classification: Pathogenic. Last evaluated: 2024-12-17. Review status: criteria provided, single submitter. Criteria: Invitae Variant Classification Sherloc (09022015). Collection method: clinical testing. Allele origin: germline.
Comment: This sequence change creates a premature translational stop signal (p.Tyr245*) in the ADAM9 gene. It is expected to result in an absent or disrupted protein product. Loss-of-function variants in ADAM9 are known to be pathogenic (PMID: 19409519). This variant is not present in population databases (gnomAD no frequency). This variant has not been reported in the literature in individuals affected with ADAM9-related conditions. For these reasons, this variant has been classified as Pathogenic.

Literature cited by the submitters: PubMed 19409519.